The following is an entry in ClinVar:

ClinVar aggregate classification (germline): Likely benign (1 of 4 stars; one submission).

Allele frequency attached by ClinVar (database versions not stated): gnomAD exomes below 0.00001.
gnomAD v4.1: 2 of 1,614,042 alleles (0.00012%); highest among the groups gnomAD compares: Non-Finnish European, 0.00017%; no homozygotes.

Submission:

CeGaT Center for Human Genetics Tuebingen
Classification: Likely benign. Last evaluated: 2024-03-01. Review status: criteria provided, single submitter. Criteria: CeGaT Center For Human Genetics Tuebingen Variant Classification Criteria Version 2. Collection method: clinical testing. Allele origin: germline. Affected: yes. Observed: 1 variant allele.
Comment: VWF: PM2:Supporting, BP4, BP7

NM_000552.5(VWF):c.1008C>T (p.Leu336=)

Gene: VWF (von Willebrand factor; minus strand). Cytogenetic location: 12p13.31.
Variant type: single nucleotide variant.
Coding change: c.1008C>T on transcript NM_000552.5 (MANE Select); coding-DNA position 1008, C replaced by T.
Protein change: p.Leu336=; no amino-acid change (leucine 336 retained).
Molecular consequence: synonymous variant.
Genome position (GRCh38, 1-based): chr12:6,072,432, G>A on the plus strand (C>T on the coding strand, the complement: VWF is on the minus strand). VCF-style: chr12-6072432-G-A. GRCh37 (hg19) VCF-style: chr12-6181598-G-A.
Identifiers: ClinVar variation 3067484 (VCV003067484.21), dbSNP rs2497237283, ClinGen allele CA478105759.